The following is an entry in ClinVar:

ClinVar aggregate classification (germline): Uncertain significance. Review status: criteria provided, multiple submitters, no conflicts (2 of 4 stars). 2 submissions from 2 submitters: Uncertain significance (2). Last evaluated 2022-06-04.

Conditions:
Hereditary nonpolyposis colorectal neoplasms. Identifiers: MedGen C0009405, MeSH D003123.
Hereditary cancer-predisposing syndrome. Also called: Hereditary neoplastic syndrome; Neoplastic Syndromes, Hereditary; Tumor predisposition; Hereditary Cancer Syndrome. Identifiers: Orphanet 140162, MedGen C0027672, MeSH D009386, MONDO:0015356.

Submissions (2):

Labcorp Genetics (formerly Invitae), Labcorp
Classification: Uncertain significance for Hereditary nonpolyposis colorectal neoplasms. Last evaluated: 2022-06-04. Review status: criteria provided, single submitter. Criteria: Invitae Variant Classification Sherloc (09022015). Collection method: clinical testing. Allele origin: germline.
Comment: This sequence change replaces alanine, which is neutral and non-polar, with proline, which is neutral and non-polar, at codon 1050 of the MSH6 protein (p.Ala1050Pro). This variant is not present in population databases (gnomAD no frequency). This variant has not been reported in the literature in individuals affected with MSH6-related conditions. ClinVar contains an entry for this variant (Variation ID: 949133). Advanced modeling of protein sequence and biophysical properties (such as structural, functional, and spatial information, amino acid conservation, physicochemical variation, residue mobility, and thermodynamic stability) performed at Invitae indicates that this missense variant is expected to disrupt MSH6 protein function. In summary, the available evidence is currently insufficient to determine the role of this variant in disease. Therefore, it has been classified as a Variant of Uncertain Significance.

Ambry Genetics
Classification: Uncertain significance for Hereditary cancer-predisposing syndrome. Last evaluated: 2020-07-08. Review status: criteria provided, single submitter. Criteria: Ambry Variant Classification Scheme 2023. Collection method: clinical testing. Allele origin: germline.
Comment: The p.A1050P variant (also known as c.3148G>C), located in coding exon 4 of the MSH6 gene, results from a G to C substitution at nucleotide position 3148. The alanine at codon 1050 is replaced by proline, an amino acid with highly similar properties. This amino acid position is highly conserved in available vertebrate species. In addition, this alteration is predicted to be deleterious by in silico analysis. Since supporting evidence is limited at this time, the clinical significance of this alteration remains unclear.

NM_000179.3(MSH6):c.3148G>C (p.Ala1050Pro)

Gene: MSH6 (mutS homolog 6; plus strand). Cytogenetic location: 2p16.3.
Variant type: single nucleotide variant.
Coding change: c.3148G>C on transcript NM_000179.3 (MANE Select); coding-DNA position 3148, G replaced by C.
Protein change: p.Ala1050Pro; replaces alanine 1050 with proline.
Molecular consequence: missense variant.
Genome position (GRCh38, 1-based): chr2:47,801,131, G>C. VCF-style: chr2-47801131-G-C. GRCh37 (hg19) VCF-style: chr2-48028270-G-C.
Other names: c.2758G>C, p.Ala920Pro (NM_001281492.2); c.2242G>C, p.Ala748Pro (NM_001281493.2, NM_001281494.2); short protein forms A1050P, A920P, A748P.
Identifiers: ClinVar variation 949133 (VCV000949133.12), dbSNP rs1572730375, ClinGen allele CA346756704.